The following is an entry in ClinVar:

NM_017636.4(TRPM4):c.3412A>G (p.Arg1138Gly)

Gene: TRPM4 (transient receptor potential cation channel subfamily M member 4; plus strand). Cytogenetic location: 19q13.33.
Variant type: single nucleotide variant.
Coding change: c.3412A>G on transcript NM_017636.4 (MANE Select); coding-DNA position 3412, A replaced by G.
Protein change: p.Arg1138Gly; replaces arginine 1138 with glycine.
Molecular consequence: missense variant.
Genome position (GRCh38, 1-based): chr19:49,210,793, A>G. VCF-style: chr19-49210793-A-G. GRCh37 (hg19) VCF-style: chr19-49714050-A-G.
Other names: c.2977A>G, p.Arg993Gly (NM_001195227.2); c.3067A>G, p.Arg1023Gly (NM_001321281.2); c.1804A>G, p.Arg602Gly (NM_001321282.2); c.2890A>G, p.Arg964Gly (NM_001321283.2); c.2350A>G, p.Arg784Gly (NM_001321285.2); short protein forms R1023G, R1138G, R602G, R784G, R964G, R993G.
Identifiers: ClinVar variation 1317032 (VCV001317032.2), dbSNP rs1470697380, ClinGen allele CA406773149.

ClinVar aggregate classification (germline): Uncertain significance (1 of 4 stars; one submission).

Allele frequency attached by ClinVar (database versions not stated): gnomAD exomes below 0.00001; TOPMed below 0.00001.
gnomAD v4.1: 4 of 1,613,902 alleles (0.00025%); highest among the groups gnomAD compares: African/African-American, 0.0013%; no homozygotes.

Submission:

GeneDx
Classification: Uncertain significance. Last evaluated: 2019-06-07. Review status: criteria provided, single submitter. Criteria: GeneDx Variant Classification Process June 2021. Collection method: clinical testing. Allele origin: germline. Affected: yes.
Comment: Has not been previously published as pathogenic or benign to our knowledge; Not observed at a significant frequency in large population cohorts (Lek et al., 2016); In silico analysis, which includes protein predictors and evolutionary conservation, supports a deleterious effect